The following is an entry in ClinVar:

ClinVar aggregate classification (germline): Conflicting classifications of pathogenicity. Review status: criteria provided, conflicting classifications (1 of 4 stars). 5 submissions from 5 submitters: Uncertain significance (1); Likely benign (3). 1 of the submissions does not count toward it. Last evaluated 2026-01-24.

Conditions:
GRIN2A-related complex neurodevelopmental disorder. Also called: GRIN2A-related disorder; GRIN2A-related condition. Identifiers: MedGen CN379781, MONDO:1060139.
Landau-Kleffner syndrome (FESD). Also called: EPILEPSY, FOCAL, WITH SPEECH DISORDER AND WITH OR WITHOUT MENTAL RETARDATION; APHASIA, ACQUIRED, WITH EPILEPSY. Identifiers: Orphanet 1945, Orphanet 725, Orphanet 98818, MedGen C0282512, MONDO:0009509, OMIM 245570.

Allele frequency attached by ClinVar (database versions not stated): TOPMed 0.00006; gnomAD 0.00005 and 0.00006; gnomAD exomes 0.00001.
gnomAD v4.1: 37 of 1,613,982 alleles (0.0023%); highest among the groups gnomAD compares: East Asian, 0.0067%; no homozygotes.

Submissions (5):

Labcorp Genetics (formerly Invitae), Labcorp
Classification: Likely benign for Landau-Kleffner syndrome. Last evaluated: 2026-01-24. Review status: criteria provided, single submitter. Criteria: Invitae Variant Classification Sherloc (09022015). Collection method: clinical testing. Allele origin: germline.

Blueprint Genetics
Classification: Likely benign. Last evaluated: 2024-08-27. Review status: criteria provided, single submitter. Criteria: ACMG Guidelines, 2015. Collection method: clinical testing. Allele origin: germline.

Baylor Genetics
Classification: Uncertain significance for Landau-Kleffner syndrome. Last evaluated: 2019-03-27. Review status: criteria provided, single submitter. Criteria: ACMG Guidelines, 2015. Collection method: clinical testing. Allele origin: paternal. Affected: yes.
Comment: This variant was determined to be of uncertain significance according to ACMG Guidelines, 2015 [PMID:25741868].

GeneDx
Classification: Likely benign. Last evaluated: 2016-07-11. Review status: criteria provided, single submitter. Criteria: GeneDx Variant Classification (06012015). Collection method: clinical testing. Allele origin: germline. Affected: yes.
Comment: This variant is considered likely benign or benign based on one or more of the following criteria: it is a conservative change, it occurs at a poorly conserved position in the protein, it is predicted to be benign by multiple in silico algorithms, and/or has population frequency not consistent with disease.

PreventionGenetics, part of Exact Sciences
Classification: Likely benign for GRIN2A-related condition. Last evaluated: 2023-09-07. Review status: no assertion criteria provided. Collection method: clinical testing. Allele origin: germline. Not counted in ClinVar's aggregate classification.
Comment: This variant is classified as likely benign based on ACMG/AMP sequence variant interpretation guidelines (Richards et al. 2015 PMID: 25741868, with internal and published modifications).

NM_001134407.3(GRIN2A):c.4170G>A (p.Ser1390=)

Gene: GRIN2A (glutamate ionotropic receptor NMDA type subunit 2A; minus strand). Cytogenetic location: 16p13.2.
Variant type: single nucleotide variant.
Coding change: c.4170G>A on transcript NM_001134407.3 (MANE Select); coding-DNA position 4170, G replaced by A.
Protein change: p.Ser1390=; no amino-acid change (serine 1390 retained).
Molecular consequence: synonymous variant. On other transcripts: missense variant (1).
Genome position (GRCh38, 1-based): chr16:9,763,374, C>T on the plus strand (G>A on the coding strand, the complement: GRIN2A is on the minus strand). VCF-style: chr16-9763374-C-T. GRCh37 (hg19) VCF-style: chr16-9857231-C-T.
Other names: c.4170G>A, p.Ser1390= (NM_000833.5); c.3827G>A, p.Arg1276His (NM_001134408.2); short protein forms R1276H.
Identifiers: ClinVar variation 387493 (VCV000387493.15), dbSNP rs1057522803, ClinGen allele CA16607154.